The following is an entry in ClinVar:

NM_006904.7(PRKDC):c.186T>G (p.Asp62Glu)

Gene: PRKDC (protein kinase, DNA-activated, catalytic subunit; minus strand). Cytogenetic location: 8q11.21.
Variant type: single nucleotide variant.
Coding change: c.186T>G on transcript NM_006904.7 (MANE Select); coding-DNA position 186, T replaced by G.
Protein change: p.Asp62Glu; replaces aspartic acid 62 with glutamic acid.
Molecular consequence: missense variant.
Genome position (GRCh38, 1-based): chr8:47,957,400, A>C on the plus strand (T>G on the coding strand, the complement: PRKDC is on the minus strand). VCF-style: chr8-47957400-A-C. GRCh37 (hg19) VCF-style: chr8-48869960-A-C.
Other names: c.186T>G, p.Asp62Glu (NM_001081640.2); short protein forms D62E.
Identifiers: ClinVar variation 1445979 (VCV001445979.6), dbSNP rs2154504732, ClinGen allele CA371141652.

ClinVar aggregate classification (germline): Uncertain significance (1 of 4 stars; one submission).

Conditions:
Severe combined immunodeficiency due to DNA-PKcs deficiency. Also called: IMMUNODEFICIENCY 26 WITH NEUROLOGIC ABNORMALITIES; Immunodeficiency 26 with or without neurologic abnormalities. Identifiers: Orphanet 317425, MedGen C4014833, MONDO:0014423, OMIM 615966.

gnomAD v4.1: 1 of 1,592,692 alleles (0.000063%); highest among the groups gnomAD compares: Middle Eastern, 0.017%; no homozygotes.

Submission:

Labcorp Genetics (formerly Invitae), Labcorp
Classification: Uncertain significance for Severe combined immunodeficiency due to DNA-PKcs deficiency. Last evaluated: 2021-11-10. Review status: criteria provided, single submitter. Criteria: Invitae Variant Classification Sherloc (09022015). Collection method: clinical testing. Allele origin: germline.
Comment: This sequence change replaces aspartic acid, which is acidic and polar, with glutamic acid, which is acidic and polar, at codon 62 of the PRKDC protein (p.Asp62Glu). This variant is not present in population databases (gnomAD no frequency). This variant has not been reported in the literature in individuals affected with PRKDC-related conditions. Experimental studies and prediction algorithms are not available or were not evaluated, and the functional significance of this variant is currently unknown. In summary, the available evidence is currently insufficient to determine the role of this variant in disease. Therefore, it has been classified as a Variant of Uncertain Significance.